The following is an entry in ClinVar:

NM_001330.5(CTF1):c.184T>A (p.Ser62Thr)

Genes: CTF1 (cardiotrophin 1; plus strand), LOC130058878 (ATAC-STARR-seq lymphoblastoid silent region 7400; plus strand). Cytogenetic location: 16p11.2.
Variant type: single nucleotide variant.
Coding change: c.184T>A on transcript NM_001330.5 (MANE Select); coding-DNA position 184, T replaced by A.
Protein change: p.Ser62Thr; replaces serine 62 with threonine.
Molecular consequence: missense variant. On other transcripts: non-coding transcript variant (1).
Genome position (GRCh38, 1-based): chr16:30,902,117, T>A. VCF-style: chr16-30902117-T-A. GRCh37 (hg19) VCF-style: chr16-30913438-T-A.
Other names: c.181T>A, p.Ser61Thr (NM_001142544.3); short protein forms S61T, S62T.
Identifiers: ClinVar variation 1425629 (VCV001425629.8), dbSNP rs2143244270, ClinGen allele CA395618343.

ClinVar aggregate classification (germline): Uncertain significance (1 of 4 stars; one submission).

Submission:

Labcorp Genetics (formerly Invitae), Labcorp
Classification: Uncertain significance. Last evaluated: 2020-11-24. Review status: criteria provided, single submitter. Criteria: Invitae Variant Classification Sherloc (09022015). Collection method: clinical testing. Allele origin: germline.
Comment: In summary, the available evidence is currently insufficient to determine the role of this variant in disease. Therefore, it has been classified as a Variant of Uncertain Significance. Algorithms developed to predict the effect of missense changes on protein structure and function (SIFT, PolyPhen-2, Align-GVGD) all suggest that this variant is likely to be disruptive, but these predictions have not been confirmed by published functional studies and their clinical significance is uncertain. This variant has not been reported in the literature in individuals with CTF1-related conditions. The frequency data for this variant in the population databases is considered unreliable, as metrics indicate insufficient coverage at this position in the ExAC database. This sequence change replaces serine with threonine at codon 62 of the CTF1 protein (p.Ser62Thr). The serine residue is highly conserved and there is a small physicochemical difference between serine and threonine.